The following is an entry in ClinVar:

ClinVar aggregate classification (germline): Uncertain significance. Review status: criteria provided, multiple submitters, no conflicts (2 of 4 stars). 2 submissions from 2 submitters: Uncertain significance (2). Last evaluated 2026-01-24.

Conditions:
Dystonia 31. Also called: ZECH-BOESCH SYNDROME. Identifiers: MedGen C5562001, MONDO:0030455, OMIM 619565.

gnomAD v4.1: 84 of 1,614,208 alleles (0.0052%); highest among the groups gnomAD compares: Middle Eastern, 0.033%; no homozygotes.

Submissions (2):

3billion
Classification: Uncertain significance for Dystonia 31. Last evaluated: 2026-01-24. Review status: criteria provided, single submitter. Criteria: ACMG Guidelines, 2015. Collection method: clinical testing. Allele origin: germline. Affected: yes.
Comment: The variant is observed at an extremely low frequency in the gnomAD v4.1.0 dataset (total allele frequency: 0.005%). Predicted Consequence/Location: Missense variant In silico tool predictions suggest damaging effect of the variant on gene or gene product [3Cnet: 0.92 (> 0.75, sensitivity 0.96 and precision 0.92)]. The variant has been reported to be in trans with a pathogenic variant as either compound heterozygous or homozygous in at least one similarly affected unrelated individual (PMID: 35306330). Therefore, this variant is classified as VUS according to the recommendation of ACMG/AMP guideline.

Department of Medical Genetics and Molecular Medicine, Mashhad University of Medical Sciences
Classification: Uncertain significance for Dystonia 31. Last evaluated: 2023-09-18. Review status: criteria provided, single submitter. Criteria: ACMG Guidelines, 2015. Collection method: clinical testing. Allele origin: germline. Affected: yes.
Comment: The AOPEP variant (c.1201C>T) is classified as VUS based on: Phenotype match: The patient's generalized dystonia aligns with AOPEP-associated disorders dystonia 31. The variant is extremely rare (>0.005) in population databases (gnomAD). In silico predictions: Computational tools (SIFT, PolyPhen-2, MutationTaster) predict a deleterious effect on protein function. Functional impact: The variant affects a conserved residue in a critical protein domain (e.g., zinc-binding site), predicted to disrupt function. ACMG criteria: Applied criteria include PM2 due to loss-of-function effect, rar in controls.

Literature cited by the submitters: PubMed 35306330 (cited by 3billion).

NM_001193329.3(AOPEP):c.1201C>T (p.Arg401Trp)

Gene: AOPEP (aminopeptidase O (putative); plus strand). Cytogenetic location: 9q22.32.
Variant type: single nucleotide variant.
Coding change: c.1201C>T on transcript NM_001193329.3 (MANE Select); coding-DNA position 1201, C replaced by T.
Protein change: p.Arg401Trp; replaces arginine 401 with tryptophan.
Molecular consequence: missense variant. On other transcripts: non-coding transcript variant (5).
Genome position (GRCh38, 1-based): chr9:94,800,839, C>T. VCF-style: chr9-94800839-C-T. GRCh37 (hg19) VCF-style: chr9-97563121-C-T.
Other names: c.1201C>T, p.Arg401Trp (NM_001386069.1, NM_001386070.1, NM_001386071.1 and 10 more transcripts); c.331C>T, p.Arg111Trp (NM_001386073.1); c.208C>T, p.Arg70Trp (NM_001386061.1); c.880C>T, p.Arg294Trp (NM_001386062.2); short protein forms R111W, R294W, R401W, R70W.
Identifiers: ClinVar variation 4057234 (VCV004057234.2).